The following is an entry in ClinVar:

NM_000322.5(PRPH2):c.683C>T (p.Thr228Ile)

Gene: PRPH2 (peripherin 2; minus strand). Cytogenetic location: 6p21.1.
Variant type: single nucleotide variant.
Coding change: c.683C>T on transcript NM_000322.5 (MANE Select); coding-DNA position 683, C replaced by T.
Protein change: p.Thr228Ile; replaces threonine 228 with isoleucine.
Molecular consequence: missense variant.
Genome position (GRCh38, 1-based): chr6:42,704,510, G>A on the plus strand (C>T on the coding strand, the complement: PRPH2 is on the minus strand). VCF-style: chr6-42704510-G-A. GRCh37 (hg19) VCF-style: chr6-42672248-G-A.
Other names: short protein forms T228I.
Identifiers: ClinVar variation 847943 (VCV000847943.11), dbSNP rs369507460, ClinGen allele CA3808552.

ClinVar aggregate classification (germline): Conflicting classifications of pathogenicity. Review status: criteria provided, conflicting classifications (1 of 4 stars). 6 submissions from 5 submitters: Likely pathogenic (4); Uncertain significance (1). 1 of the submissions does not count toward it. Last evaluated 2026-08-11.

Conditions:
PRPH2-related disorder. Also called: PRPH2-related disorders; PRPH2-related condition. Identifiers: MedGen CN239395.
Stargardt disease (FFM). Also called: Stargardt's disease; Fundus flavimaculatus. Identifiers: Orphanet 827, MedGen C0271093, MONDO:0019353.
Patterned dystrophy of the retinal pigment epithelium (MDPT1). Identifiers: Orphanet 63454, MedGen C1868569, MONDO:0018973.

Allele frequency attached by ClinVar (database versions not stated): gnomAD 0.00001; ExAC 0.00002; TOPMed 0.00003; gnomAD exomes 0.00004 and 0.00006; ESP Exome Variant Server 0.00008.

Submissions (6):

PreventionGenetics, part of Exact Sciences
Classification: Likely pathogenic for PRPH2-related condition. Last evaluated: 2026-08-11. Review status: criteria provided, single submitter. Criteria: ACMG Guidelines, 2015. Collection method: clinical testing. Allele origin: germline.
Comment: The PRPH2 c.683C>T variant is predicted to result in the amino acid substitution p.Thr228Ile. This variant has been reported in individuals with autosomal dominant pattern dystrophy or retinal dystrophy (Alapati et al. 2014. PubMed ID: 25082885; Table S2, Peeters et al. 2021. PubMed ID: 34411390; Heath Jeffery et al. 2024. PubMed ID: 38743414; Al-Khuzaei et al. 2025. PubMed ID: 41009962). This variant is located within a hotspot region (a.a. 141-240, also known as the D2 loop) for disease-causing variants (Reeves et al. 2020. PubMed ID: 32531846). This variant is present in 0.0079% of alleles in individuals of European (Non-Finnish) descent in gnomAD. This variant is interpreted as likely pathogenic.

Labcorp Genetics (formerly Invitae), Labcorp
Classification: Likely pathogenic for PRPH2-related disorder. Last evaluated: 2025-03-17. Review status: criteria provided, single submitter. Criteria: Invitae Variant Classification Sherloc (09022015). Collection method: clinical testing. Allele origin: germline.
Comment: This sequence change replaces threonine, which is neutral and polar, with isoleucine, which is neutral and non-polar, at codon 228 of the PRPH2 protein (p.Thr228Ile). This variant is present in population databases (rs369507460, gnomAD 0.009%). This missense change has been observed in individuals with autosomal dominant PRPH2-related conditions (PMID: 25082885, 32531846, 38743414). It has also been observed to segregate with disease in related individuals. ClinVar contains an entry for this variant (Variation ID: 847943). Invitae Evidence Modeling of protein sequence and biophysical properties (such as structural, functional, and spatial information, amino acid conservation, physicochemical variation, residue mobility, and thermodynamic stability) has been performed for this missense variant. However, the output from this modeling did not meet the statistical confidence thresholds required to predict the impact of this variant on PRPH2 protein function. In summary, the currently available evidence indicates that the variant is pathogenic, but additional data are needed to prove that conclusively. Therefore, this variant has been classified as Likely Pathogenic.

Blueprint Genetics
Classification: Uncertain significance. Last evaluated: 2021-12-21. Review status: criteria provided, single submitter. Criteria: ACMG Guidelines, 2015. Collection method: clinical testing. Allele origin: germline.

NEI Ophthalmic Genomics Laboratory, National Institutes of Health
Classification: Likely pathogenic for Patterned dystrophy of the retinal pigment epithelium. Last evaluated: 2020-01-07. Review status: criteria provided, single submitter. Criteria: ACMG Guidelines, 2015. Collection method: clinical testing. Allele origin: germline. Affected: yes.
Comment: The variant NM_000322.4:c.683C>T in the PRPH2 gene has been previously studied(PMID 25082885). We found this variant in 4 patient(s) in a PRPH2 cohort study (Reeves et al. 2020). This variant is listed in dbSNP and/or HGMD (rs369507460). It is present in gnomAD browser (AF 0.0000406). This variant is not already listed in ClinVar. It is not enriched in the PRPH2 disease cohort. We invoked ACMG criteria [PM1, PM2, PP1, PP3] and classified NM_000322.4:c.683C>T in the PRPH2 gene as a Likely Pathogenic mutation.

NEI Ophthalmic Genomics Laboratory, National Institutes of Health
Classification: Likely pathogenic for Stargardt disease. Last evaluated: 2020-01-07. Review status: criteria provided, single submitter. Criteria: ACMG Guidelines, 2015. Collection method: clinical testing. Allele origin: germline. Affected: yes.
Comment: the same text as in the submission from NEI Ophthalmic Genomics Laboratory, National Institutes of Health above.

Leiden Open Variation Database
Classification: Likely pathogenic. Last evaluated: 2021-04-06. Review status: no assertion criteria provided. Collection method: curation. Allele origin: germline. Affected: yes. Not counted in ClinVar's aggregate classification.
Comment: Curator: Global Variome, with Curator vacancy. Submitter to LOVD: Manon Peeters.

Literature cited by the submitters: PubMed 25082885 (cited by Labcorp Genetics (formerly Invitae), Labcorp and Leiden Open Variation Database); PubMed 32531846 (cited by Labcorp Genetics (formerly Invitae), Labcorp and Leiden Open Variation Database); PubMed 38743414 (cited by Labcorp Genetics (formerly Invitae), Labcorp).